The following is an entry in ClinVar:

ClinVar aggregate classification (germline): Benign/Likely benign. Review status: criteria provided, multiple submitters, no conflicts (2 of 4 stars). 2 submissions from 2 submitters: Benign (1); Likely benign (1). Last evaluated 2024-12-19.

Conditions:
Lynch syndrome 5 (LYNCH5). Also called: Colorectal cancer, hereditary nonpolyposis, type 5; Hereditary non-polyposis colorectal cancer, type 5. Identifiers: Orphanet 144, MedGen C1833477, MONDO:0013710, OMIM 614350. Disease mechanism: loss of function.
Hereditary cancer-predisposing syndrome. Also called: Hereditary neoplastic syndrome; Hereditary Cancer Syndrome; Neoplastic Syndromes, Hereditary; Tumor predisposition. Identifiers: Orphanet 140162, MedGen C0027672, MeSH D009386, MONDO:0015356.

Submissions (2):

Myriad Genetics, Inc.
Classification: Benign for Lynch syndrome 5. Last evaluated: 2024-12-19. Review status: criteria provided, single submitter. Criteria: Myriad Autosomal Dominant, Autosomal Recessive and X-Linked Classification Criteria (2023). Collection method: clinical testing. Allele origin: unknown.
Comment: This variant is considered benign. This variant is a silent/synonymous amino acid change and it is not expected to impact splicing.

Color Diagnostics, LLC DBA Color Health
Classification: Likely benign for Hereditary cancer-predisposing syndrome. Last evaluated: 2023-03-18. Review status: criteria provided, single submitter. Criteria: ACMG Guidelines, 2015. Collection method: clinical testing. Allele origin: germline.

NM_000179.3(MSH6):c.591T>C (p.Asp197=)

Gene: MSH6 (mutS homolog 6; plus strand). Cytogenetic location: 2p16.3.
Variant type: single nucleotide variant.
Coding change: c.591T>C on transcript NM_000179.3 (MANE Select); coding-DNA position 591, T replaced by C.
Protein change: p.Asp197=; no amino-acid change (aspartic acid 197 retained).
Molecular consequence: synonymous variant. On other transcripts: 5 prime UTR variant (2), non-coding transcript variant (5), intron variant (8).
Genome position (GRCh38, 1-based): chr2:47,796,027, T>C. VCF-style: chr2-47796027-T-C. GRCh37 (hg19) VCF-style: chr2-48023166-T-C.
Other names: c.-312T>C (NM_001281494.2); c.687T>C, p.Asp229= (NM_001406795.1, NM_001406802.1); c.591T>C, p.Asp197= (NM_001406796.1, NM_001406798.1, NM_001406800.1 and 5 more transcripts); c.294T>C, p.Asp98= (NM_001406797.1, NM_001406801.1, NM_001406805.1 and 10 more transcripts); c.66T>C, p.Asp22= (NM_001406799.1, NM_001406806.1, NM_001406807.1); c.513T>C, p.Asp171= (NM_001406804.1); c.597T>C, p.Asp199= (NM_001406813.1); c.-404T>C (NM_001406814.1); and 3 more.
Identifiers: ClinVar variation 2773628 (VCV002773628.3), dbSNP rs2530522812, ClinGen allele CA425993125.
Genomic context (GRCh38, chr2:47,796,027, plus strand): 5'-ACGTGCAGATGAAGCCTTAAATAAAGACAAGATTAAGAGGCTTGAATTGGCAGTTTGTGA[T>C]GAGCCCTCAGAGCCAGAAGAGGAAGAAGAGATGGAGGTGGGACACGGCAAGCATTCAGTT-3'
Protein context (NP_000170.1, residues 187-207): KIKRLELAVC[Asp197=]EPSEPEEEEE